The following is an entry in ClinVar:

ClinVar aggregate classification (germline): Likely pathogenic (1 of 4 stars; one submission).

Conditions:
Glucocorticoid deficiency 4. Also called: Glucocorticoid deficiency 4 with or without mineralocorticoid deficiency. Identifiers: Orphanet 361, MedGen C3553587, MONDO:0013874, OMIM 614736.

gnomAD v4.1: 1 of 1,614,046 alleles (0.000062%); highest among the groups gnomAD compares: Non-Finnish European, 0.000085%; no homozygotes.

Submission:

Juno Genomics, Hangzhou Juno Genomics, Inc
Classification: Likely pathogenic for Glucocorticoid deficiency 4. Review status: criteria provided, single submitter. Criteria: ACMG Guidelines, 2015. Collection method: clinical testing. Allele origin: germline.
Comment: Null variant in a gene where loss of function (LOF) is a known mechanism of disease.;Absent from controls (or at extremely low frequency if recessive) in Genome Aggregation Database.

NM_182977.3(NNT):c.505C>T (p.Gln169Ter)

Gene: NNT (nicotinamide nucleotide transhydrogenase; plus strand). Cytogenetic location: 5p12.
Variant type: single nucleotide variant.
Coding change: c.505C>T on transcript NM_182977.3 (MANE Select); coding-DNA position 505, C replaced by T.
Protein change: p.Gln169Ter; replaces glutamine 169 with a stop codon.
Molecular consequence: nonsense.
Genome position (GRCh38, 1-based): chr5:43,615,971, C>T. VCF-style: chr5-43615971-C-T. GRCh37 (hg19) VCF-style: chr5-43616073-C-T.
Other names: c.112C>T, p.Gln38Ter (NM_001331026.2); c.505C>T, p.Gln169Ter (NM_012343.4); short protein forms Q38*, Q169*.
Identifiers: ClinVar variation 5006903 (VCV005006903.2).